The following is an entry in ClinVar:

ClinVar aggregate classification (germline): Uncertain significance (1 of 4 stars; one submission).

Allele frequency attached by ClinVar (database versions not stated): gnomAD exomes below 0.00001 and 0.00001; ExAC 0.00001; TOPMed 0.00003; gnomAD 0.00005; ESP Exome Variant Server 0.00008.
gnomAD v4.1: 23 of 1,613,078 alleles (0.0014%); highest among the groups gnomAD compares: African/African-American, 0.0067%; no homozygotes.

Submission:

Labcorp Genetics (formerly Invitae), Labcorp
Classification: Uncertain significance. Last evaluated: 2021-05-10. Review status: criteria provided, single submitter. Criteria: Invitae Variant Classification Sherloc (09022015). Collection method: clinical testing. Allele origin: germline.
Comment: Algorithms developed to predict the effect of sequence changes on RNA splicing suggest that this variant may disrupt the consensus splice site, but this prediction has not been confirmed by published transcriptional studies. In summary, the available evidence is currently insufficient to determine the role of this variant in disease. Therefore, it has been classified as a Variant of Uncertain Significance. This variant has not been reported in the literature in individuals with MYH7B-related conditions. This variant is present in population databases (rs368075726, ExAC 0.009%). This sequence change affects codon 1333 of the MYH7B mRNA. It is a 'silent' change, meaning that it does not change the encoded amino acid sequence of the MYH7B protein. It affects a nucleotide within the consensus splice site of the intron.

NM_020884.7(MYH7B):c.3873C>T (p.Ser1291=)

Gene: MYH7B (myosin heavy chain 7B; plus strand). Cytogenetic location: 20q11.22.
Variant type: single nucleotide variant.
Coding change: c.3873C>T on transcript NM_020884.7 (MANE Select); coding-DNA position 3873, C replaced by T.
Protein change: p.Ser1291=; no amino-acid change (serine 1291 retained).
Molecular consequence: synonymous variant.
Genome position (GRCh38, 1-based): chr20:34,998,420, C>T. VCF-style: chr20-34998420-C-T. GRCh37 (hg19) VCF-style: chr20-33586223-C-T.
Identifiers: ClinVar variation 1407007 (VCV001407007.8), dbSNP rs368075726, ClinGen allele CA9827884.
Genomic context (GRCh38, chr20:34,998,420, plus strand): 5'-GGAGCTGCAGCGGCAGCTGGCGGACGCAAGCACGCAGCGTGGGCGACTACAGACGGAAAG[C>T]GGTGAGGCTGGGGCTCAGCTGGCCACACCAGGCAGGGCTTTGGTGCAGCCCTCACCAGCC-3'
Protein context (NP_065935.4, residues 1281-1301): STQRGRLQTE[Ser1291=]GELSRLLEEK